The following is an entry in ClinVar:

NM_002439.5(MSH3):c.1766A>C (p.Glu589Ala)

Gene: MSH3 (mutS homolog 3; plus strand). Cytogenetic location: 5q14.1.
Variant type: single nucleotide variant.
Coding change: c.1766A>C on transcript NM_002439.5 (MANE Select); coding-DNA position 1766, A replaced by C.
Protein change: p.Glu589Ala; replaces glutamic acid 589 with alanine.
Molecular consequence: missense variant.
Genome position (GRCh38, 1-based): chr5:80,761,548, A>C. VCF-style: chr5-80761548-A-C. GRCh37 (hg19) VCF-style: chr5-80057367-A-C.
Other names: short protein forms E589A.
Identifiers: ClinVar variation 656555 (VCV000656555.12), dbSNP rs1188380279, ClinGen allele CA360276472.

ClinVar aggregate classification (germline): Uncertain significance. Review status: criteria provided, multiple submitters, no conflicts (2 of 4 stars). 3 submissions from 3 submitters: Uncertain significance (3). Last evaluated 2024-07-17.

Conditions:
Hereditary cancer-predisposing syndrome. Also called: Hereditary neoplastic syndrome; Tumor predisposition; Neoplastic Syndromes, Hereditary; Hereditary Cancer Syndrome. Identifiers: Orphanet 140162, MedGen C0027672, MeSH D009386, MONDO:0015356.

Allele frequency attached by ClinVar (database versions not stated): TOPMed below 0.00001; gnomAD 0.00001.
gnomAD v4.1: 1 of 1,614,012 alleles (0.000062%); highest among the groups gnomAD compares: Non-Finnish European, 0.000085%; no homozygotes.

Submissions (3):

Quest Diagnostics Nichols Institute San Juan Capistrano
Classification: Uncertain significance. Last evaluated: 2024-07-17. Review status: criteria provided, single submitter. Criteria: Quest Diagnostics criteria. Collection method: clinical testing. Allele origin: unknown.
Comment: The MSH3 c.1766A>C (p.Glu589Ala) variant has not been reported in individuals with MSH3-related conditions in the published literature. The frequency of this variant in the general population, 0.0000066 (1/152186 chromosomes (Genome Aggregation Database)), is uninformative in the assessment of its pathogenicity. Analysis of this variant using bioinformatics tools for the prediction of the effect of amino acid changes on protein structure and function yielded conflicting predictions that this variant is deleterious or benign. Based on the available information, we are unable to determine the clinical significance of this variant.

Ambry Genetics
Classification: Uncertain significance for Hereditary cancer-predisposing syndrome. Last evaluated: 2022-07-12. Review status: criteria provided, single submitter. Criteria: Ambry Variant Classification Scheme 2023. Collection method: clinical testing. Allele origin: germline.
Comment: The p.E589A variant (also known as c.1766A>C), located in coding exon 13 of the MSH3 gene, results from an A to C substitution at nucleotide position 1766. The glutamic acid at codon 589 is replaced by alanine, an amino acid with dissimilar properties. This amino acid position is conserved. In addition, this alteration is predicted to be tolerated by in silico analysis. Since supporting evidence is limited at this time, the clinical significance of this alteration remains unclear.

Labcorp Genetics (formerly Invitae), Labcorp
Classification: Uncertain significance. Last evaluated: 2018-10-15. Review status: criteria provided, single submitter. Criteria: Invitae Variant Classification Sherloc (09022015). Collection method: clinical testing. Allele origin: germline.
Comment: In summary, the available evidence is currently insufficient to determine the role of this variant in disease. Therefore, it has been classified as a Variant of Uncertain Significance. Algorithms developed to predict the effect of missense changes on protein structure and function are either unavailable or do not agree on the potential impact of this missense change (SIFT: "Deleterious"; PolyPhen-2: "Benign"; Align-GVGD: "Class C0"). This variant has not been reported in the literature in individuals with MSH3-related disease. This variant is not present in population databases (ExAC no frequency). This sequence change replaces glutamic acid with alanine at codon 589 of the MSH3 protein (p.Glu589Ala). The glutamic acid residue is moderately conserved and there is a moderate physicochemical difference between glutamic acid and alanine.